The following is an entry in ClinVar:

NM_000400.4(ERCC2):c.1201G>A (p.Ala401Thr)

Gene: ERCC2 (ERCC excision repair 2, TFIIH core complex helicase subunit; minus strand). Cytogenetic location: 19q13.32.
Variant type: single nucleotide variant.
Coding change: c.1201G>A on transcript NM_000400.4 (MANE Select); coding-DNA position 1201, G replaced by A.
Protein change: p.Ala401Thr; replaces alanine 401 with threonine.
Molecular consequence: missense variant.
Genome position (GRCh38, 1-based): chr19:45,361,560, C>T on the plus strand (G>A on the coding strand, the complement: ERCC2 is on the minus strand). VCF-style: chr19-45361560-C-T. GRCh37 (hg19) VCF-style: chr19-45864818-C-T.
Other names: c.1129G>A, p.Ala377Thr (NM_001130867.2); short protein forms A377T, A401T.
Identifiers: ClinVar variation 3509860 (VCV003509860.1).

ClinVar aggregate classification (germline): Uncertain significance (1 of 4 stars; one submission).

Conditions:
Inborn genetic diseases. Identifiers: MedGen C0950123, MeSH D030342.

Submission:

Ambry Genetics
Classification: Uncertain significance for Inborn genetic diseases. Last evaluated: 2024-09-04. Review status: criteria provided, single submitter. Criteria: Ambry Variant Classification Scheme 2023. Collection method: clinical testing. Allele origin: germline.
Comment: The p.A401T variant (also known as c.1201G>A), located in coding exon 12 of the ERCC2 gene, results from a G to A substitution at nucleotide position 1201. The alanine at codon 401 is replaced by threonine, an amino acid with similar properties. This amino acid position is conserved. In addition, this alteration is predicted to be tolerated by in silico analysis. Based on the available evidence, the clinical significance of this variant remains unclear.